The following is an entry in ClinVar:

ClinVar aggregate classification (germline): Pathogenic (1 of 4 stars; one submission).

Conditions:
Hereditary breast ovarian cancer syndrome. Also called: Hereditary breast and ovarian cancer syndrome; Hereditary breast and/or ovarian cancer syndrome; Hereditary breast and ovarian cancer; Breast and ovarian cancer; Hereditary breast and ovarian cancer syndrome (HBOC); BRCA1- and BRCA2-Associated Hereditary Breast and Ovarian Cancer. Identifiers: Orphanet 145, MedGen C0677776, MeSH D061325, MONDO:0003582. Disease mechanism: loss of function.

Submission:

Labcorp Genetics (formerly Invitae), Labcorp
Classification: Pathogenic for Hereditary breast ovarian cancer syndrome. Last evaluated: 2024-07-09. Review status: criteria provided, single submitter. Criteria: Invitae Variant Classification Sherloc (09022015). Collection method: clinical testing. Allele origin: germline.
Comment: This sequence change creates a premature translational stop signal (p.Cys1103*) in the BRCA1 gene. It is expected to result in an absent or disrupted protein product. Loss-of-function variants in BRCA1 are known to be pathogenic (PMID: 20104584). This variant is not present in population databases (gnomAD no frequency). This premature translational stop signal has been observed in individual(s) with BRCA1-related conditions (PMID: 29446198). For these reasons, this variant has been classified as Pathogenic.

Literature cited by the submitters: PubMed 20104584; PubMed 29446198.

NM_007294.4(BRCA1):c.3308_3309del (p.Asn1102_Cys1103insTer)

Genes: BRCA1 (BRCA1 DNA repair associated; minus strand), LOC126862571 (BRD4-independent group 4 enhancer GRCh37_chr17:41243136-41244335; plus strand). Cytogenetic location: 17q21.31.
Variant type: Deletion.
Coding change: c.3308_3309del on transcript NM_007294.4 (MANE Select); coding-DNA positions 3308 to 3309, 2 bases deleted (GT; older notation c.3308_3309delGT).
Protein change: p.Asn1102_Cys1103insTer.
Molecular consequence: nonsense. On other transcripts: intron variant (137).
Genome position (GRCh38, 1-based): chr17:43,092,222-43,092,223, AC deleted on the plus strand (GT on the coding strand, the reverse complement: BRCA1 is on the minus strand); deleting any 2 consecutive bases within chr17:43,092,222-43,092,224 gives the same sequence; the c. name uses the placement nearest the transcript's 3' end. VCF-style (leftmost placement, unchanged base first): chr17-43092221-TAC-T. GRCh37 (hg19) VCF-style: chr17-41244238-TAC-T.
Other names: c.3230_3231del, p.Asn1076_Cys1077insTer (NM_001407657.1, NM_001407658.1, NM_001407663.1 and 4 more transcripts); c.3227_3228del, p.Asn1075_Cys1076insTer (NM_001407660.1, NM_001407662.1, NM_001407659.1 and 1 more transcripts); c.3185_3186del, p.Asn1061_Cys1062insTer (NM_001407664.1, NM_001407665.1, NM_001407666.1 and 19 more transcripts); c.3182_3183del, p.Asn1060_Cys1061insTer (NM_001407670.1, NM_001407672.1, NM_001407673.1 and 11 more transcripts); c.2972_2973del, p.Asn990_Cys991insTer (NM_001407958.1, NM_001407954.1, NM_001407955.1 and 1 more transcripts); c.2927_2928del, p.Asn975_Cys976insTer (NM_001407959.1, NM_001407960.1, NM_001407963.1); c.2924_2925del, p.Asn974_Cys975insTer (NM_001407962.1); c.3164_3165del, p.Asn1054_Cys1055insTer (NM_001407964.1, NM_001407740.1, NM_001407741.1 and 20 more transcripts); and 41 more.
Identifiers: ClinVar variation 3659054 (VCV003659054.2).